The following is an entry in ClinVar:

NM_198525.3(KIF7):c.2689G>A (p.Gly897Ser)

Gene: KIF7 (kinesin family member 7; minus strand). Cytogenetic location: 15q26.1.
Variant type: single nucleotide variant.
Coding change: c.2689G>A on transcript NM_198525.3 (MANE Select); coding-DNA position 2689, G replaced by A.
Protein change: p.Gly897Ser; replaces glycine 897 with serine.
Molecular consequence: missense variant.
Genome position (GRCh38, 1-based): chr15:89,633,170, C>T on the plus strand (G>A on the coding strand, the complement: KIF7 is on the minus strand). VCF-style: chr15-89633170-C-T. GRCh37 (hg19) VCF-style: chr15-90176401-C-T.
Other names: short protein forms G897S.
Identifiers: ClinVar variation 1374906 (VCV001374906.14), dbSNP rs149548398, ClinGen allele CA7728044.

ClinVar aggregate classification (germline): Uncertain significance. Review status: criteria provided, multiple submitters, no conflicts (2 of 4 stars). 5 submissions from 5 submitters: Uncertain significance (5). Last evaluated 2025-04-01.

Conditions:
Inborn genetic diseases. Identifiers: MedGen C0950123, MeSH D030342.
Acrocallosal syndrome (ACLS). Also called: Schinzel syndrome 1; Absence of corpus callosum with unusual facial appearance, mental deficiency, duplication of the halluces and polydactyly; HALLUX DUPLICATION, POSTAXIAL POLYDACTYLY, AND ABSENCE OF CORPUS CALLOSUM. Identifiers: Orphanet 36, MedGen C0796147, MONDO:0008708, OMIM 200990.

Allele frequency attached by ClinVar (database versions not stated): ExAC 0.00011; ESP Exome Variant Server 0.00015.
gnomAD v4.1: 146 of 1,604,014 alleles (0.0091%); highest among the groups gnomAD compares: Admixed American, 0.017%; no homozygotes.

Submissions (5):

Ambry Genetics
Classification: Uncertain significance for Inborn genetic diseases. Last evaluated: 2025-04-01. Review status: criteria provided, single submitter. Criteria: Ambry Variant Classification Scheme 2023. Collection method: clinical testing. Allele origin: germline.

CeGaT Center for Human Genetics Tuebingen
Classification: Uncertain significance. Last evaluated: 2025-03-01. Review status: criteria provided, single submitter. Criteria: CeGaT Center For Human Genetics Tuebingen Variant Classification Criteria Version 2. Collection method: clinical testing. Allele origin: germline. Affected: yes. Observed: 1 variant allele.
Comment: KIF7: PM2

Blueprint Genetics
Classification: Uncertain significance. Last evaluated: 2024-07-17. Review status: criteria provided, single submitter. Criteria: ACMG Guidelines, 2015. Collection method: clinical testing. Allele origin: germline.

GeneDx
Classification: Uncertain significance. Last evaluated: 2024-05-21. Review status: criteria provided, single submitter. Criteria: GeneDx Variant Classification Process June 2021. Collection method: clinical testing. Allele origin: germline. Affected: yes.
Comment: In silico analysis supports that this missense variant has a deleterious effect on protein structure/function; Has not been previously published as pathogenic or benign to our knowledge

Labcorp Genetics (formerly Invitae), Labcorp
Classification: Uncertain significance for Acrocallosal syndrome. Last evaluated: 2022-08-22. Review status: criteria provided, single submitter. Criteria: Invitae Variant Classification Sherloc (09022015). Collection method: clinical testing. Allele origin: germline.
Comment: This sequence change replaces glycine, which is neutral and non-polar, with serine, which is neutral and polar, at codon 897 of the KIF7 protein (p.Gly897Ser). This variant is present in population databases (rs149548398, gnomAD 0.02%). This variant has not been reported in the literature in individuals affected with KIF7-related conditions. ClinVar contains an entry for this variant (Variation ID: 1374906). Algorithms developed to predict the effect of missense changes on protein structure and function are either unavailable or do not agree on the potential impact of this missense change (SIFT: "Deleterious"; PolyPhen-2: "Probably Damaging"; Align-GVGD: "Class C0"). In summary, the available evidence is currently insufficient to determine the role of this variant in disease. Therefore, it has been classified as a Variant of Uncertain Significance.